The following is an entry in ClinVar:

ClinVar aggregate classification (germline): Conflicting classifications of pathogenicity. Review status: criteria provided, conflicting classifications (1 of 4 stars). 2 submissions from 2 submitters: Uncertain significance (1); Likely benign (1). Last evaluated 2025-12-11.

Conditions:
Brugada syndrome 4 (BRGDA4). Identifiers: Orphanet 130, MedGen C2678477, MONDO:0012743, OMIM 611876.

Allele frequency attached by ClinVar (database versions not stated): ExAC 0.00002; gnomAD exomes 0.00002 and 0.00005; TOPMed 0.00002; gnomAD 0.00003 and 0.00004.
gnomAD v4.1: 38 of 1,613,772 alleles (0.0024%); highest among the groups gnomAD compares: Non-Finnish European, 0.00042%; no homozygotes.

Submissions (2):

GeneDx
Classification: Uncertain significance. Last evaluated: 2025-12-11. Review status: criteria provided, single submitter. Criteria: GeneDx Variant Classification Process June 2021. Collection method: clinical testing. Allele origin: germline. Affected: yes.
Comment: In silico analysis supports that this missense variant has a deleterious effect on protein structure/function; Has not been previously published as pathogenic or benign to our knowledge; Variants in candidate genes are classified as variants of uncertain significance in accordance with ACMG guidelines (PMID: 25741868)

Labcorp Genetics (formerly Invitae), Labcorp
Classification: Likely benign for Brugada syndrome 4. Last evaluated: 2025-11-17. Review status: criteria provided, single submitter. Criteria: Invitae Variant Classification Sherloc (09022015). Collection method: clinical testing. Allele origin: germline.

NM_201596.3(CACNB2):c.218C>T (p.Ser73Leu)

Gene: CACNB2 (calcium voltage-gated channel auxiliary subunit beta 2; plus strand). Cytogenetic location: 10p12.31.
Variant type: single nucleotide variant.
Coding change: c.218C>T on transcript NM_201596.3 (MANE Select); coding-DNA position 218, C replaced by T.
Protein change: p.Ser73Leu; replaces serine 73 with leucine.
Molecular consequence: missense variant.
Genome position (GRCh38, 1-based): chr10:18,401,928, C>T. VCF-style: chr10-18401928-C-T. GRCh37 (hg19) VCF-style: chr10-18690857-C-T.
Other names: c.53C>T, p.Ser18Leu (NM_000724.4, NM_001330060.2); c.134C>T, p.Ser45Leu (NM_001167945.2, NM_201571.4, NM_201572.4); c.74C>T, p.Ser25Leu (NM_201570.3); c.56C>T, p.Ser19Leu (NM_201590.3); c.218C>T, p.Ser73Leu (NM_201593.3, NM_201597.3); short protein forms S19L, S73L, S45L, S18L, S25L.
Identifiers: ClinVar variation 432156 (VCV000432156.13), dbSNP rs755056713, ClinGen allele CA5429542.